The following is an entry in ClinVar:

ClinVar aggregate classification (germline): Pathogenic (1 of 4 stars; one submission).

Conditions:
Rhabdoid tumor predisposition syndrome 2 (RTPS2). Identifiers: Orphanet 231108, Orphanet 69077, MedGen C2750074, MONDO:0013224, OMIM 613325.

Submission:

Labcorp Genetics (formerly Invitae), Labcorp
Classification: Pathogenic for Rhabdoid tumor predisposition syndrome 2. Last evaluated: 2024-06-11. Review status: criteria provided, single submitter. Criteria: Invitae Variant Classification Sherloc (09022015). Collection method: clinical testing. Allele origin: germline.
Comment: This sequence change creates a premature translational stop signal (p.Glu686*) in the SMARCA4 gene. It is expected to result in an absent or disrupted protein product. Loss-of-function variants in SMARCA4 are known to be pathogenic (PMID: 24658001, 24658002). This variant is not present in population databases (gnomAD no frequency). This variant has not been reported in the literature in individuals affected with SMARCA4-related conditions. For these reasons, this variant has been classified as Pathogenic.

Literature cited by the submitters: PubMed 24658001; PubMed 24658002.

NM_003072.5(SMARCA4):c.2056G>T (p.Glu686Ter)

Gene: SMARCA4 (SWI/SNF related BAF chromatin remodeling complex subunit ATPase 4; plus strand). Cytogenetic location: 19p13.2.
Variant type: single nucleotide variant.
Coding change: c.2056G>T on transcript NM_003072.5 (MANE Select); coding-DNA position 2056, G replaced by T.
Protein change: p.Glu686Ter; replaces glutamic acid 686 with a stop codon.
Molecular consequence: nonsense. On other transcripts: non-coding transcript variant (1).
Genome position (GRCh38, 1-based): chr19:11,007,956, G>T. VCF-style: chr19-11007956-G-T. GRCh37 (hg19) VCF-style: chr19-11118632-G-T.
Other names: c.2056G>T, p.Glu686Ter (NM_001387283.1, NM_001411150.1, NM_001128844.3 and 6 more transcripts); short protein forms E686*.
Identifiers: ClinVar variation 3656166 (VCV003656166.2).